The following is an entry in ClinVar:

NM_001130698.2(TRPC3):c.1330C>T (p.Pro444Ser)

Gene: TRPC3 (transient receptor potential cation channel subfamily C member 3; minus strand). Cytogenetic location: 4q27.
Variant type: single nucleotide variant.
Coding change: c.1330C>T on transcript NM_001130698.2 (MANE Select); coding-DNA position 1330, C replaced by T.
Protein change: p.Pro444Ser; replaces proline 444 with serine.
Molecular consequence: missense variant.
Genome position (GRCh38, 1-based): chr4:121,914,791, G>A on the plus strand (C>T on the coding strand, the complement: TRPC3 is on the minus strand). VCF-style: chr4-121914791-G-A. GRCh37 (hg19) VCF-style: chr4-122835946-G-A.
Other names: c.1111C>T, p.Pro371Ser (NM_003305.2); c.1330C>T, p.Pro444Ser (NM_001366479.2); short protein forms P371S, P444S.
Identifiers: ClinVar variation 2971374 (VCV002971374.4), dbSNP rs199650762, ClinGen allele CA104771927.

ClinVar aggregate classification (germline): Uncertain significance. Review status: criteria provided, multiple submitters, no conflicts (2 of 4 stars). 2 submissions from 2 submitters: Uncertain significance (2). Last evaluated 2025-03-27.

Conditions:
Spinocerebellar ataxia type 41. Identifiers: Orphanet 458798, MedGen C4225158, MONDO:0014626, OMIM 616410.

Allele frequency attached by ClinVar (database versions not stated): gnomAD exomes below 0.00001; gnomAD 0.00001; TOPMed 0.00002.
gnomAD v4.1: 3 of 1,610,200 alleles (0.00019%); highest among the groups gnomAD compares: Admixed American, 0.0017%; no homozygotes.

Submissions (2):

Laboratorio de Genetica e Diagnostico Molecular, Hospital Israelita Albert Einstein
Classification: Uncertain significance for Spinocerebellar ataxia type 41. Last evaluated: 2025-03-27. Review status: criteria provided, single submitter. Criteria: ACMG Guidelines, 2015. Collection method: clinical testing. Allele origin: germline. Affected: yes.
Comment: ACMG classification criteria: PM2 supporting, PP2 supporting, PP3 supporting

Labcorp Genetics (formerly Invitae), Labcorp
Classification: Uncertain significance. Last evaluated: 2023-07-10. Review status: criteria provided, single submitter. Criteria: Invitae Variant Classification Sherloc (09022015). Collection method: clinical testing. Allele origin: germline.
Comment: In summary, the available evidence is currently insufficient to determine the role of this variant in disease. Therefore, it has been classified as a Variant of Uncertain Significance. Advanced modeling of protein sequence and biophysical properties (such as structural, functional, and spatial information, amino acid conservation, physicochemical variation, residue mobility, and thermodynamic stability) performed at Invitae indicates that this missense variant is expected to disrupt TRPC3 protein function. This variant has not been reported in the literature in individuals affected with TRPC3-related conditions. This variant is present in population databases (rs199650762, gnomAD no frequency). This sequence change replaces proline, which is neutral and non-polar, with serine, which is neutral and polar, at codon 444 of the TRPC3 protein (p.Pro444Ser).